The following is an entry in ClinVar:

NM_001171613.2(PREPL):c.1827+5G>A

Genes: PREPL (prolyl endopeptidase like; minus strand), SLC3A1 (solute carrier family 3 member 1; plus strand). Cytogenetic location: 2p21.
Variant type: single nucleotide variant.
Coding change: c.1827+5G>A on transcript NM_001171613.2 (MANE Select); 5 bases into the intron after coding-DNA position 1827, G replaced by A.
Molecular consequence: intron variant.
Genome position (GRCh38, 1-based): chr2:44,321,822, C>T on the plus strand (G>A on the coding strand, the complement: PREPL is on the minus strand). VCF-style: chr2-44321822-C-T. GRCh37 (hg19) VCF-style: chr2-44548961-C-T.
Other names: c.1827+5G>A (NM_001171617.1, NM_001374277.1); c.2094+5G>A (NM_001171603.1, NM_001374275.1, NM_001374276.1 and 2 more transcripts); c.1908+5G>A (NM_001042385.2); c.1896+5G>A (NM_001042386.2).
Identifiers: ClinVar variation 1058696 (VCV001058696.13), dbSNP rs1672986669, ClinGen allele CA913090537.
Genomic context (GRCh38, chr2:44,321,822, plus strand): 5'-AAAATGTGAAAACAACATGTATCTAGTTCGGGAATCTGTCCACTGAGAGGGCCTTGATAA[C>T]ATACCTTTTTGTGAGAATCCTCAATTACATGATTGCCTCCAGGCTGAATATCTAGAATAA-3'

ClinVar aggregate classification (germline): Conflicting classifications of pathogenicity. Review status: criteria provided, conflicting classifications (1 of 4 stars). 3 submissions from 3 submitters: Likely pathogenic (1); Uncertain significance (2). Last evaluated 2025-04-17.

Conditions:
Myasthenic syndrome, congenital, 22 (CMS22). Also called: PREPL DEFICIENCY. Identifiers: MedGen C4479088, MONDO:0044299, OMIM 616224.
Intellectual disability. Also called: Intellectual functioning disability; Intellectual developmental disorder; intellectual disabilities. Identifiers: MedGen C3714756, MeSH D008607, MONDO:0001071, HP:0001249.

Allele frequency attached by ClinVar (database versions not stated): gnomAD exomes below 0.00001; TOPMed below 0.00001.
gnomAD v4.1: 2 of 1,613,808 alleles (0.00012%); highest among the groups gnomAD compares: Middle Eastern, 0.016%; no homozygotes.

Submissions (3):

Labcorp Genetics (formerly Invitae), Labcorp
Classification: Uncertain significance for Myasthenic syndrome, congenital, 22. Last evaluated: 2025-04-17. Review status: criteria provided, single submitter. Criteria: Invitae Variant Classification Sherloc (09022015). Collection method: clinical testing. Allele origin: germline.
Comment: This sequence change falls in intron 13 of the PREPL gene. It does not directly change the encoded amino acid sequence of the PREPL protein. It affects a nucleotide within the consensus splice site. This variant is not present in population databases (gnomAD no frequency). This variant has not been reported in the literature in individuals affected with PREPL-related conditions. ClinVar contains an entry for this variant (Variation ID: 1058696). Variants that disrupt the consensus splice site are a relatively common cause of aberrant splicing (PMID: 17576681, 9536098). Algorithms developed to predict the effect of sequence changes on RNA splicing suggest that this variant may disrupt the consensus splice site. In summary, the available evidence is currently insufficient to determine the role of this variant in disease. Therefore, it has been classified as a Variant of Uncertain Significance.

GeneDx
Classification: Uncertain significance. Last evaluated: 2023-05-02. Review status: criteria provided, single submitter. Criteria: GeneDx Variant Classification Process June 2021. Collection method: clinical testing. Allele origin: germline. Affected: yes.
Comment: Not observed at significant frequency in large population cohorts (gnomAD); Has not been previously published as pathogenic or benign to our knowledge; In silico analysis is inconclusive as to whether the variant alters gene splicing. In the absence of RNA/functional studies, the actual effect of this sequence change is unknown.; This variant is associated with the following publications: (PMID: 17576681, 9536098)

Diagnostic Laboratory, Strasbourg University Hospital
Classification: Likely pathogenic for Intellectual disability. Last evaluated: 2023-02-14. Review status: criteria provided, single submitter. Criteria: ACMG Guidelines, 2015. Collection method: clinical testing, in vivo. Allele origin: biparental, not applicable. Inheritance: Autosomal recessive inheritance. Affected: yes. Observed: 1 homozygote. Functional consequence: effect on RNA splicing.

Literature cited by the submitters: PubMed 17576681 (cited by Labcorp Genetics (formerly Invitae), Labcorp); PubMed 9536098 (cited by Labcorp Genetics (formerly Invitae), Labcorp).